The following is an entry in ClinVar:

NM_000536.4(RAG2):c.218G>A (p.Arg73His)

Gene: RAG2 (recombination activating 2; minus strand). Cytogenetic location: 11p12.
Variant type: single nucleotide variant.
Coding change: c.218G>A on transcript NM_000536.4 (MANE Select); coding-DNA position 218, G replaced by A.
Protein change: p.Arg73His; replaces arginine 73 with histidine.
Molecular consequence: missense variant.
Genome position (GRCh38, 1-based): chr11:36,593,951, C>T on the plus strand (G>A on the coding strand, the complement: RAG2 is on the minus strand). VCF-style: chr11-36593951-C-T. GRCh37 (hg19) VCF-style: chr11-36615501-C-T.
Other names: c.218G>A, p.Arg73His (NM_001243785.2, NM_001243786.2); short protein forms R73H.
Identifiers: ClinVar variation 496620 (VCV000496620.17), dbSNP rs762407838, ClinGen allele CA5950607.
Genomic context (GRCh38, chr11:36,593,951, plus strand): 5'-ATGATGTATTGATGCTTTTCAGACTCCAAGCTGCCTTTGAATGTGCAAGTGGCTGGGTAG[C>T]GAAGAGGAGGGAGGTAGCAGGAATCCTTAGAGAAAATTGTAGGCTTCAGTTTGACATGGT-3'
Protein context (NP_000527.2, residues 63-83): SKDSCYLPPL[Arg73His]YPATCTFKGS

ClinVar aggregate classification (germline): Pathogenic/Likely pathogenic. Review status: criteria provided, multiple submitters, no conflicts (2 of 4 stars). 7 submissions from 7 submitters: Pathogenic (2); Likely pathogenic (4). 1 of the submissions does not count toward it. Last evaluated 2026-06-06.

Conditions:
Combined immunodeficiency with skin granulomas. Identifiers: Orphanet 157949, MedGen C2673536, MONDO:0009306, OMIM 233650.
Severe combined immunodeficiency, autosomal recessive, T cell-negative, B cell-negative, NK cell-positive. Also called: Severe combined immunodeficiency due to complete RAG1/2 deficiency; SCID, AR, T-cell negative, B-cell negative, NK cell-positive; SCID, T CELL-NEGATIVE, B CELL-NEGATIVE, NK CELL-POSITIVE. Identifiers: Orphanet 331206, MedGen C1832322, MONDO:0011086, OMIM 601457.
Histiocytic medullary reticulosis. Also called: SEVERE COMBINED IMMUNODEFICIENCY WITH HYPEREOSINOPHILIA; Omenn syndrome. Identifiers: Orphanet 39041, MedGen C2700553, MONDO:0011338, OMIM 603554.
Atypical severe combined immunodeficiency due to complete RAG1/2 deficiency.
Recombinase activating gene 2 deficiency. Also called: RAG2 deficiency. Identifiers: MedGen CN257931, MONDO:0000573.
Inborn error of immunity. Also called: Primary immunodeficiency; Inborn errors of immunity. Identifiers: Orphanet 101997, MedGen C0398686, MONDO:0003778.
Immunodeficiency 104. Also called: Severe combined immunodeficiency, autosomal recessive, T cell-negative, B cell-positive, NK cell-positive; Severe Combined Immune Deficiency, Autosomal Recessive, TCell -Negative, B Cell-Positive, NK Cell-Positive, IL7R-Related; SCID, AUTOSOMAL RECESSIVE, T CELL-NEGATIVE, B CELL-POSITIVE, NK CELL-POSITIVE; IMMUNODEFICIENCY 104, SEVERE COMBINED. Identifiers: MedGen C5676890, MONDO:0012163, OMIM 608971.

Allele frequency attached by ClinVar (database versions not stated): gnomAD exomes below 0.00001; TOPMed 0.00001; ExAC 0.00001; gnomAD 0.00002.
gnomAD v4.1: 9 of 1,613,956 alleles (0.00056%); highest among the groups gnomAD compares: African/African-American, 0.0067%; no homozygotes.

Submissions (7):

Genomic Research Center, Shahid Beheshti University of Medical Sciences
Classification: Pathogenic for Histiocytic medullary reticulosis. Last evaluated: 2026-06-06. Review status: criteria provided, single submitter. Criteria: ACMG Guidelines, 2015. Collection method: clinical testing. Allele origin: inherited. Inheritance: Autosomal recessive inheritance.
Comment: This missense change has been observed in individuals with severe combined immunodeficiency (PMID: 21131235, 26515615). This variant has been reported for its pathogenicity (HGMD ID CM108347). The frequency of them in the normal population is very low.

Natera, Inc.
Classification: Likely pathogenic for Omenn syndrome. Last evaluated: 2025-06-16. Review status: criteria provided, single submitter. Criteria: Natera Variant Classification Schema (03/2026). Collection method: clinical testing. Allele origin: germline.
Comment: The c.218G>A variant in RAG2 is a missense variant predicted to cause substitution of arginine to histidine at amino acid 73. This variant is rare in the general population with a frequency below the threshold expected for the associated phenotype(s). This variant has been observed in one or more individuals affected with the associated recessive disease, as either homozygous or compound heterozygous with a second variant (PMID: 37898571, 28747913, 31838659). Functional studies show that this variant may disrupt protein function (PMID: 39792639). A different variant at the same position has been determined to be Pathogenic or Likely Pathogenic. Computational prediction algorithms indicate this variant is likely to affect gene or protein function. Given the available evidence, this variant is classified as Likely Pathogenic.

Labcorp Genetics (formerly Invitae), Labcorp
Classification: Pathogenic for Combined immunodeficiency with skin granulomas; Severe combined immunodeficiency, autosomal recessive, T cell-negative, B cell-negative, NK cell-positive. Last evaluated: 2024-09-09. Review status: criteria provided, single submitter. Criteria: Invitae Variant Classification Sherloc (09022015). Collection method: clinical testing. Allele origin: germline.
Comment: This sequence change replaces arginine, which is basic and polar, with histidine, which is basic and polar, at codon 73 of the RAG2 protein (p.Arg73His). This variant is present in population databases (rs762407838, gnomAD 0.008%). This missense change has been observed in individuals with severe combined immunodeficiency (PMID: 21131235, 26515615). ClinVar contains an entry for this variant (Variation ID: 496620). Invitae Evidence Modeling of protein sequence and biophysical properties (such as structural, functional, and spatial information, amino acid conservation, physicochemical variation, residue mobility, and thermodynamic stability) indicates that this missense variant is expected to disrupt RAG2 protein function with a positive predictive value of 95%. Experimental studies have shown that this missense change affects RAG2 function (PMID: 26515615, 29772310). This variant disrupts the p.Arg73 amino acid residue in RAG2. Other variant(s) that disrupt this residue have been determined to be pathogenic (PMID: 20603253, 24481607, 26476733; internal data). This suggests that this residue is clinically significant, and that variants that disrupt this residue are likely to be disease-causing. For these reasons, this variant has been classified as Pathogenic.

Fulgent Genetics
Classification: Likely pathogenic for Combined immunodeficiency with skin granulomas; Severe combined immunodeficiency, autosomal recessive, T cell-negative, B cell-negative, NK cell-positive; Histiocytic medullary reticulosis. Last evaluated: 2024-05-26. Review status: criteria provided, single submitter. Criteria: ACMG Guidelines, 2015. Collection method: clinical testing. Allele origin: germline.

Baylor Genetics
Classification: Likely pathogenic for Combined immunodeficiency with skin granulomas. Last evaluated: 2024-01-17. Review status: criteria provided, single submitter. Criteria: ACMG Guidelines, 2015. Collection method: clinical testing. Allele origin: unknown.

Pediatric Immunology Service, The Chaim Sheba Medical Center at Tel HaShomer
Classification: Likely pathogenic for RAG2 deficiency; Primary immunodeficiency; Atypical severe combined immunodeficiency due to complete RAG1/2 deficiency; Omenn syndrome. Last evaluated: 2018-03-06. Review status: criteria provided, single submitter. Criteria: ACMG Guidelines, 2015. Collection method: research. Allele origin: germline. Affected: yes.

GreenArray Genomic Research & Solutions of Accurate Diagnostic Private Limited
Classification: Uncertain significance for Immunodeficiency 104. Review status: flagged submission. Criteria: ACMG Guidelines, 2015. Collection method: clinical testing. Allele origin: germline. Affected: no. Not counted in ClinVar's aggregate classification.
Comment: This variant has been reported in compound heterozygous state along with a termination variant in an affected patient (Asai E et al).Functional studies revealed that the variant exhibited 59% of activity when compared to wild type. The variant is predicted to be damaging by both SIFT and PolyPhen2. The residue is conserved across species. The amino acid change p.Arg73His in RAG2 is predicted as conserved by GERP++ and PhyloP across 100 vertebrates. The p.Arg73His variant is novel (not in any individuals) in 1000 Genomes and is present in 0.0007% individuals in gnomAD database. For the above reasons it has been classified as Uncertain Significance.
ClinVar note: Reason: Older and outlier claim with insufficient supporting evidence

Literature cited by the submitters: PubMed 37898571 (cited by Natera, Inc.); PubMed 28747913 (cited by Natera, Inc.); PubMed 31838659 (cited by Natera, Inc.); PubMed 39792639 (cited by Natera, Inc.); PubMed 21131235 (cited by Labcorp Genetics (formerly Invitae), Labcorp and Pediatric Immunology Service, The Chaim Sheba Medical Center at Tel HaShomer); PubMed 26515615 (cited by Labcorp Genetics (formerly Invitae), Labcorp); PubMed 29772310 (cited by Labcorp Genetics (formerly Invitae), Labcorp); PubMed 20603253 (cited by Labcorp Genetics (formerly Invitae), Labcorp); PubMed 24481607 (cited by Labcorp Genetics (formerly Invitae), Labcorp); PubMed 26476733 (cited by Labcorp Genetics (formerly Invitae), Labcorp).